The following is an entry in ClinVar:

ClinVar aggregate classification (germline): Uncertain significance (1 of 4 stars; one submission).

Conditions:
Hypertrophic cardiomyopathy 1 (CMH1). Also called: Familial hypertrophic cardiomyopathy 1; MYH7-Related Familial Hypertrophic Cardiomyopathy. Identifiers: MedGen C3495498, MONDO:0008647, OMIM 192600.

gnomAD v4.1: 3 of 1,551,286 alleles (0.00019%); highest among the groups gnomAD compares: Admixed American, 0.0039%; no homozygotes.

Submission:

Labcorp Genetics (formerly Invitae), Labcorp
Classification: Uncertain significance for Hypertrophic cardiomyopathy 1. Last evaluated: 2025-08-01. Review status: criteria provided, single submitter. Criteria: Invitae Variant Classification Sherloc (09022015). Collection method: clinical testing. Allele origin: germline.
Comment: This sequence change falls in intron 2 of the MYLK2 gene. It does not directly change the encoded amino acid sequence of the MYLK2 protein. This variant is present in population databases (no rsID available, gnomAD no frequency). This variant has not been reported in the literature in individuals affected with MYLK2-related conditions. ClinVar contains an entry for this variant (Variation ID: 2914425). Algorithms developed to predict the effect of sequence changes on RNA splicing suggest that this variant may create or strengthen a splice site. In summary, the available evidence is currently insufficient to determine the role of this variant in disease. Therefore, it has been classified as a Variant of Uncertain Significance.

NM_033118.4(MYLK2):c.52+19A>T

Gene: MYLK2 (myosin light chain kinase 2; plus strand). Cytogenetic location: 20q11.21.
Variant type: single nucleotide variant.
Coding change: c.52+19A>T on transcript NM_033118.4 (MANE Select); 19 bases into the intron after coding-DNA position 52, A replaced by T.
Molecular consequence: intron variant.
Genome position (GRCh38, 1-based): chr20:31,819,651, A>T. VCF-style: chr20-31819651-A-T. GRCh37 (hg19) VCF-style: chr20-30407454-A-T.
Identifiers: ClinVar variation 2914425 (VCV002914425.3), dbSNP rs1471938352, ClinGen allele CA634983906.
Genomic context (GRCh38, chr20:31,819,651, plus strand): 5'-AAAATGGAGCAGTTGAGCTGGGAATTCAGAACCCATCAACAGGTGCCAAGCTGGGGCAGG[A>T]GATGGAGGGAGGAGCTTGGGAAGGGGGGTTTTGAATCCAGGACTGGGCAGGTTCCTCAGT-3'